The following is an entry in ClinVar:

NM_032634.4(PIGO):c.2414A>G (p.Gln805Arg)

Gene: PIGO (phosphatidylinositol glycan anchor biosynthesis class O; minus strand). Cytogenetic location: 9p13.3.
Variant type: single nucleotide variant.
Coding change: c.2414A>G on transcript NM_032634.4 (MANE Select); coding-DNA position 2414, A replaced by G.
Protein change: p.Gln805Arg; replaces glutamine 805 with arginine.
Molecular consequence: missense variant. On other transcripts: intron variant (2).
Genome position (GRCh38, 1-based): chr9:35,091,473, T>C on the plus strand (A>G on the coding strand, the complement: PIGO is on the minus strand). VCF-style: chr9-35091473-T-C. GRCh37 (hg19) VCF-style: chr9-35091470-T-C.
Other names: c.1345-182A>G (NM_152850.4, NM_001201484.2); short protein forms Q805R.
Identifiers: ClinVar variation 1021897 (VCV001021897.8), dbSNP rs1829412566, ClinGen allele CA373319873.
Genomic context (GRCh38, chr9:35,091,473, plus strand): 5'-GCAGCCACAGTCAGGGGACCCTGAGATTTGGTCCTCTCTAACCGGCCCCGGAACTCCTCC[T>C]GCATGTGTCGGTAGATTTGAGGGACCACATAATCCAAGTCAGCTTGAGAAGTGGGGGGGC-3'
Protein context (NP_116023.2, residues 795-815): YVVPQIYRHM[Gln805Arg]EEFRGRLERT

ClinVar aggregate classification (germline): Uncertain significance (1 of 4 stars; one submission).

Conditions:
Hyperphosphatasia with impaired intellectual development syndrome 2. Also called: Hyperphosphatasia with intellectual disability syndrome 2; GLYCOSYLPHOSPHATIDYLINOSITOL BIOSYNTHESIS DEFECT 6. Identifiers: Orphanet 247262, MedGen C3553637, MONDO:0013882, OMIM 614749.

Submission:

Labcorp Genetics (formerly Invitae), Labcorp
Classification: Uncertain significance for Hyperphosphatasia with impaired intellectual development syndrome 2. Last evaluated: 2020-03-10. Review status: criteria provided, single submitter. Criteria: Invitae Variant Classification Sherloc (09022015). Collection method: clinical testing. Allele origin: germline.
Comment: This sequence change replaces glutamine with arginine at codon 805 of the PIGO protein (p.Gln805Arg). The glutamine residue is moderately conserved and there is a small physicochemical difference between glutamine and arginine. This variant is not present in population databases (ExAC no frequency). This variant has not been reported in the literature in individuals with PIGO-related conditions. Algorithms developed to predict the effect of missense changes on protein structure and function (SIFT, PolyPhen-2, Align-GVGD) all suggest that this variant is likely to be tolerated, but these predictions have not been confirmed by published functional studies and their clinical significance is uncertain. In summary, the available evidence is currently insufficient to determine the role of this variant in disease. Therefore, it has been classified as a Variant of Uncertain Significance.